The following is an entry in ClinVar:

ClinVar aggregate classification (germline): Uncertain significance. Review status: criteria provided, multiple submitters, no conflicts (2 of 4 stars). 2 submissions from 2 submitters: Uncertain significance (2). Last evaluated 2025-07-29.

Conditions:
EGFR-related lung cancer (EGFR). Identifiers: MedGen CN130014.
Hereditary cancer-predisposing syndrome. Also called: Hereditary Cancer Syndrome; Tumor predisposition; Hereditary neoplastic syndrome; Neoplastic Syndromes, Hereditary. Identifiers: Orphanet 140162, MedGen C0027672, MeSH D009386, MONDO:0015356.

Allele frequency attached by ClinVar (database versions not stated): ExAC 0.00001; gnomAD exomes 0.00001.
gnomAD v4.1: 6 of 1,614,166 alleles (0.00037%); highest among the groups gnomAD compares: South Asian, 0.0055%; no homozygotes.

Submissions (2):

Ambry Genetics
Classification: Uncertain significance for Hereditary cancer-predisposing syndrome. Last evaluated: 2025-07-29. Review status: criteria provided, single submitter. Criteria: Ambry Variant Classification Scheme 2023. Collection method: clinical testing. Allele origin: germline.
Comment: The p.T1150I variant (also known as c.3449C>T), located in coding exon 28 of the EGFR gene, results from a C to T substitution at nucleotide position 3449. The threonine at codon 1150 is replaced by isoleucine, an amino acid with similar properties. This amino acid position is conserved. In addition, this alteration is predicted to be tolerated by in silico analysis. Based on the available evidence, the clinical significance of this variant remains unclear.

Labcorp Genetics (formerly Invitae), Labcorp
Classification: Uncertain significance for EGFR-related lung cancer. Last evaluated: 2022-10-24. Review status: criteria provided, single submitter. Criteria: Invitae Variant Classification Sherloc (09022015). Collection method: clinical testing. Allele origin: germline.
Comment: Algorithms developed to predict the effect of missense changes on protein structure and function output the following: SIFT: "Tolerated"; PolyPhen-2: "Benign"; Align-GVGD: "Class C0". The isoleucine amino acid residue is found in multiple mammalian species, which suggests that this missense change does not adversely affect protein function. In summary, the available evidence is currently insufficient to determine the role of this variant in disease. Therefore, it has been classified as a Variant of Uncertain Significance. This sequence change replaces threonine, which is neutral and polar, with isoleucine, which is neutral and non-polar, at codon 1150 of the EGFR protein (p.Thr1150Ile). This variant is present in population databases (rs745321541, gnomAD 0.003%). This variant has not been reported in the literature in individuals affected with EGFR-related conditions.

NM_005228.5(EGFR):c.3449C>T (p.Thr1150Ile)

Gene: EGFR (epidermal growth factor receptor; plus strand). Cytogenetic location: 7p11.2.
Variant type: single nucleotide variant.
Coding change: c.3449C>T on transcript NM_005228.5 (MANE Select); coding-DNA position 3449, C replaced by T.
Protein change: p.Thr1150Ile; replaces threonine 1150 with isoleucine.
Molecular consequence: missense variant.
Genome position (GRCh38, 1-based): chr7:55,205,433, C>T. VCF-style: chr7-55205433-C-T. GRCh37 (hg19) VCF-style: chr7-55273126-C-T.
Other names: c.3314C>T, p.Thr1105Ile (NM_001346899.2); c.3290C>T, p.Thr1097Ile (NM_001346900.2); c.2648C>T, p.Thr883Ile (NM_001346941.2); short protein forms T1105I, T1097I, T1150I, T883I.
Identifiers: ClinVar variation 2186398 (VCV002186398.5), dbSNP rs745321541, ClinGen allele CA4266403.